The following is an entry in ClinVar:

NM_001366385.1(CARD14):c.1157G>T (p.Arg386Leu)

Gene: CARD14 (caspase recruitment domain family member 14; plus strand). Cytogenetic location: 17q25.3.
Variant type: single nucleotide variant.
Coding change: c.1157G>T on transcript NM_001366385.1 (MANE Select); coding-DNA position 1157, G replaced by T.
Protein change: p.Arg386Leu; replaces arginine 386 with leucine.
Molecular consequence: missense variant. On other transcripts: non-coding transcript variant (1).
Genome position (GRCh38, 1-based): chr17:80,191,390, G>T. VCF-style: chr17-80191390-G-T. GRCh37 (hg19) VCF-style: chr17-78165189-G-T.
Other names: c.1157G>T, p.Arg386Leu (NM_001257970.1, NM_024110.4); c.446G>T, p.Arg149Leu (NM_052819.3); short protein forms R149L, R386L.
Identifiers: ClinVar variation 2929064 (VCV002929064.3), dbSNP rs535721220, ClinGen allele CA8816692.

ClinVar aggregate classification (germline): Uncertain significance (1 of 4 stars; one submission).

Conditions:
Pityriasis rubra pilaris (PRP). Also called: Pityriasis rubra pilaris--familial type. Identifiers: Orphanet 2897, MedGen C0032027, MONDO:0100017, OMIM 173200, MONDO:0008251.
Psoriasis 2. Identifiers: MedGen C1864497, MONDO:0011269, OMIM 602723.

Allele frequency attached by ClinVar (database versions not stated): gnomAD 0.00001; 1000 Genomes Project 30x 0.00016; 1000 Genomes Project 0.00020.
gnomAD v4.1: 10 of 1,613,912 alleles (0.00062%); highest among the groups gnomAD compares: South Asian, 0.0055%; no homozygotes.

Submission:

Labcorp Genetics (formerly Invitae), Labcorp
Classification: Uncertain significance for Pityriasis rubra pilaris; Psoriasis 2. Last evaluated: 2023-05-15. Review status: criteria provided, single submitter. Criteria: Invitae Variant Classification Sherloc (09022015). Collection method: clinical testing. Allele origin: germline.
Comment: In summary, the available evidence is currently insufficient to determine the role of this variant in disease. Therefore, it has been classified as a Variant of Uncertain Significance. Advanced modeling of protein sequence and biophysical properties (such as structural, functional, and spatial information, amino acid conservation, physicochemical variation, residue mobility, and thermodynamic stability) performed at Invitae indicates that this missense variant is expected to disrupt CARD14 protein function. This variant has not been reported in the literature in individuals affected with CARD14-related conditions. This variant is present in population databases (rs535721220, gnomAD 0.01%). This sequence change replaces arginine, which is basic and polar, with leucine, which is neutral and non-polar, at codon 386 of the CARD14 protein (p.Arg386Leu).